The following is an entry in ClinVar:

ClinVar aggregate classification (germline): Pathogenic (0 of 4 stars; one submission).

Submission:

Quest Diagnostics Nichols Institute San Juan Capistrano
Classification: Pathogenic. Last evaluated: 2021-03-01. Review status: no assertion criteria provided. Collection method: clinical testing. Allele origin: germline.
Comment: The copy number loss of 2q14.3q22.2 involves several coding genes across multiple chromosomal bands and is expected to cause phenotypic and/or developmental abnormalities. It encompasses the recurrent region of 2q21.1 deletions (including ARHGEF4 and GPR148) and contains several genes associated with autosomal dominant disorders: PROC (OMIM 612283), HS6ST1 (OMIM 604846), CFC1 (OMIM 605194), TUBA3D (OMIM 617878), MCM6 (OMIM 601806), CXCR4 (OMIM 162643), and HNMT (OMIM 605238). Hemizygous deletions of 2q21.1 have been identified in multiple individuals with variable phenotypes that typically include developmental delay, intellectual disability, attention deficit/hyperactivity disorder, autism, and epilepsy. Some individuals may also have dysmorphic features (Dharmadhikari et al., Hum Mol Genet 2012;21(15):3345-55, PMID: 22543972; Gimelli et al., Am J Med Genet A 2014;164A(3):801-5, PMID: 24591035; Eriksson et al., Acta Paediatr 2015;104(6):610-8, PMID: 25661985). Additionally, heterozygous loss-of-function variants of CFC1 are associated with autosomal dominant visceral heterotaxy-2 (OMIM 605376), which is characterized by misplacement of the visceral organs.

GRCh37/hg19 2q14.3-22.2(chr2:122699106-143799629)x1

Genes: GYPC (glycophorin C (Gerbich blood group); plus strand), HNMT (histamine N-methyltransferase; plus strand), HS6ST1 (heparan sulfate 6-O-sulfotransferase 1; minus strand), IMP4 (IMP U3 small nucleolar ribonucleoprotein 4; plus strand), IWS1 (interacts with SUPT6H, CTD assembly factor 1; minus strand) and 61 more. Cytogenetic location: 2q14.3-22.2.
Variant type: copy number loss.
Change: copy number 1 (one copy instead of two) of chr2:122,699,106-143,799,629 (21.10 Mb, GRCh37 coordinates, 1-based), cytogenetic band 2q14.3-22.2.
Identifiers: ClinVar variation 1339988 (VCV001339988.1).